The following is an entry in ClinVar:

NM_147127.5(EVC2):c.1006-330T>G

Gene: EVC2 (EvC ciliary complex subunit 2; minus strand). Cytogenetic location: 4p16.2.
Variant type: single nucleotide variant.
Coding change: c.1006-330T>G on transcript NM_147127.5 (MANE Select); 330 bases into the intron before coding-DNA position 1006, T replaced by G.
Molecular consequence: intron variant.
Genome position (GRCh38, 1-based): chr4:5,663,576, A>C on the plus strand (T>G on the coding strand, the complement: EVC2 is on the minus strand). VCF-style: chr4-5663576-A-C. GRCh37 (hg19) VCF-style: chr4-5665303-A-C.
Other names: c.766-330T>G (NM_001166136.2).
Identifiers: ClinVar variation 667869 (VCV000667869.1), dbSNP rs17687543, ClinGen allele CA11634168.

ClinVar aggregate classification (germline): Benign (1 of 4 stars; one submission).

Allele frequency attached by ClinVar (database versions not stated): 1000 Genomes Project 0.11941; 1000 Genomes Project 30x 0.11993; TOPMed 0.13860; gnomAD 0.14721 and 0.15004.
gnomAD v4.1: 22,357 of 152,236 alleles (15%); highest among the groups gnomAD compares: African/African-American, 17%; 1,719 homozygotes.

Submission:

GeneDx
Classification: Benign. Last evaluated: 2018-06-19. Review status: criteria provided, single submitter. Criteria: GeneDx Variant Classification (06012015). Collection method: clinical testing. Allele origin: germline. Affected: yes.
Comment: This variant is considered likely benign or benign based on one or more of the following criteria: it is a conservative change, it occurs at a poorly conserved position in the protein, it is predicted to be benign by multiple in silico algorithms, and/or has population frequency not consistent with disease.